The following is an entry in ClinVar:

NM_000048.4(ASL):c.1154G>A (p.Arg385His)

Gene: ASL (argininosuccinate lyase; plus strand). Cytogenetic location: 7q11.21.
Variant type: single nucleotide variant.
Coding change: c.1154G>A on transcript NM_000048.4 (MANE Select); coding-DNA position 1154, G replaced by A.
Protein change: p.Arg385His; replaces arginine 385 with histidine.
Molecular consequence: missense variant.
Genome position (GRCh38, 1-based): chr7:66,092,567, G>A. VCF-style: chr7-66092567-G-A. GRCh37 (hg19) VCF-style: chr7-65557554-G-A.
Other names: c.1154G>A, p.Arg385His (NM_001024943.2); c.1094G>A, p.Arg365His (NM_001024944.2); c.1076G>A, p.Arg359His (NM_001024946.2); short protein forms R385H, R359H, R365H.
Identifiers: ClinVar variation 552287 (VCV000552287.21), dbSNP rs746120802, ClinGen allele CA4277330.

ClinVar aggregate classification (germline): Pathogenic/Likely pathogenic. Review status: criteria provided, multiple submitters, no conflicts (2 of 4 stars). 7 submissions from 7 submitters: Pathogenic (2); Likely pathogenic (4). 1 of the submissions does not count toward it. Last evaluated 2026-07-15.

Conditions:
Argininosuccinate lyase deficiency. Also called: Argininosuccinic aciduria; ARGININOSUCCINIC ACID LYASE DEFICIENCY; ASL DEFICIENCY. Identifiers: Orphanet 23, MedGen C0268547, MONDO:0008815, OMIM 207900, HP:0025630.

Allele frequency attached by ClinVar (database versions not stated): gnomAD exomes 0.00001 and 0.00002; TOPMed 0.00001; ExAC 0.00002.
gnomAD v4.1: 22 of 1,609,144 alleles (0.0014%); highest among the groups gnomAD compares: Non-Finnish European, 0.0019%; no homozygotes.

Submissions (7):

Myriad Genetics, Inc.
Classification: Likely pathogenic for Argininosuccinate lyase deficiency. Last evaluated: 2026-07-15. Review status: criteria provided, single submitter. Criteria: Myriad Autosomal Dominant, Autosomal Recessive and X-Linked Classification Criteria (2023). Collection method: clinical testing. Allele origin: unknown.
Comment: NM_001024943.1(ASL):c.1154G>A(R385H) is a missense variant classified as likely pathogenic in the context of argininosuccinic aciduria. R385H has been observed in cases with relevant disease (PMID: 24166829, 36807131, 38044746). Relevant functional assessments of this variant are available in the literature (PMID: 31943503). R385H has been observed in referenced population frequency databases. In summary, NM_001024943.1(ASL):c.1154G>A(R385H) is a missense variant that has been observed more frequently in cases with the relevant disease than in healthy populations. Please note: this variant was assessed in the context of healthy population screening.

Women's Health and Genetics/Laboratory Corporation of America, LabCorp
Classification: Pathogenic for Argininosuccinate lyase deficiency. Last evaluated: 2025-05-28. Review status: criteria provided, single submitter. Criteria: LabCorp Variant Classification Summary - May 2015. Collection method: clinical testing. Allele origin: germline.
Comment: Variant summary: ASL c.1154G>A (p.Arg385His) results in a non-conservative amino acid change located in the Argininosuccinate lyase, C-terminal domain (IPR029419) of the encoded protein sequence. Algorithms developed to predict the effect of missense changes on protein structure and function all suggest that this variant is likely to be disruptive. The variant allele was found at a frequency of 1.2e-05 in 247896 control chromosomes. c.1154G>A has been reported in the literature in individuals affected with Argininosuccinic Aciduria (example: Balmer_2014 and Zielonka_2020, Internal data). These data indicate that the variant is likely to be associated with disease. A different variant affecting the same codon has been classified as pathogenic by our lab (c.1153C>T,p.Arg385Cys), supporting the critical relevance of codon 385 to ASL protein function. The following publications have been ascertained in the context of this evaluation (PMID: 24166829, 31943503). ClinVar contains an entry for this variant (Variation ID: 552287). Based on the evidence outlined above, the variant was classified as pathogenic.

Natera, Inc.
Classification: Likely pathogenic for Argininosuccinate lyase deficiency. Last evaluated: 2025-05-08. Review status: criteria provided, single submitter. Criteria: Natera Variant Classification Schema (03/2026). Collection method: clinical testing. Allele origin: germline.
Comment: The c.1154G>A variant in ASL is a missense variant predicted to cause substitution of arginine to histidine at amino acid 385. This variant is rare in the general population with a frequency below the threshold expected for the associated phenotype(s). This variant has been observed in one or more individuals affected with the associated recessive disease, as either homozygous or compound heterozygous with a second variant (PMID: 24166829, 36807131, 38044746). A different variant at the same position has been determined to be Pathogenic or Likely Pathogenic. Computational prediction algorithms indicate this variant is likely to affect gene or protein function. Given the available evidence, this variant is classified as Likely Pathogenic.

Baylor Genetics
Classification: Likely pathogenic for Argininosuccinate lyase deficiency. Last evaluated: 2023-09-04. Review status: criteria provided, single submitter. Criteria: ACMG Guidelines, 2015. Collection method: clinical testing. Allele origin: unknown.

Labcorp Genetics (formerly Invitae), Labcorp
Classification: Pathogenic for Argininosuccinate lyase deficiency. Last evaluated: 2023-08-28. Review status: criteria provided, single submitter. Criteria: Invitae Variant Classification Sherloc (09022015). Collection method: clinical testing. Allele origin: germline.
Comment: For these reasons, this variant has been classified as Pathogenic. This variant disrupts the p.Arg385 amino acid residue in ASL. Other variant(s) that disrupt this residue have been determined to be pathogenic (PMID: 12408190, 18616627, 21667091, 25778938, 26745957). This suggests that this residue is clinically significant, and that variants that disrupt this residue are likely to be disease-causing. Advanced modeling of protein sequence and biophysical properties (such as structural, functional, and spatial information, amino acid conservation, physicochemical variation, residue mobility, and thermodynamic stability) performed at Invitae indicates that this missense variant is expected to disrupt ASL protein function. ClinVar contains an entry for this variant (Variation ID: 552287). This missense change has been observed in individuals with argininosuccinate lyase deficiency (PMID: 24166829, 31943503; Invitae). This variant is present in population databases (rs746120802, gnomAD 0.003%). This sequence change replaces arginine, which is basic and polar, with histidine, which is basic and polar, at codon 385 of the ASL protein (p.Arg385His).

Institute of Human Genetics, University of Leipzig Medical Center
Classification: Likely pathogenic for Argininosuccinate lyase deficiency. Last evaluated: 2023-05-15. Review status: criteria provided, single submitter. Criteria: ACMG Guidelines, 2015. Collection method: clinical testing. Allele origin: unknown. Inheritance: Autosomal recessive inheritance. Affected: yes.
Comment: Criteria applied: PS3_MOD,PM3,PM5,PP4_MOD,PM2_SUP,PP3

Counsyl
Classification: Uncertain significance for Argininosuccinate lyase deficiency. Last evaluated: 2017-06-02. Review status: no assertion criteria provided. Collection method: clinical testing. Allele origin: unknown. Not counted in ClinVar's aggregate classification.

Literature cited by the submitters: PubMed 24166829 (cited by 5 submitters); PubMed 31943503 (cited by 3 submitters); PubMed 36807131 (cited by Myriad Genetics, Inc. and Natera, Inc.); PubMed 38044746 (cited by Myriad Genetics, Inc. and Natera, Inc.); PubMed 12408190 (cited by Labcorp Genetics (formerly Invitae), Labcorp); PubMed 18616627 (cited by Labcorp Genetics (formerly Invitae), Labcorp); PubMed 21667091 (cited by Labcorp Genetics (formerly Invitae), Labcorp); PubMed 25778938 (cited by Labcorp Genetics (formerly Invitae), Labcorp); PubMed 26745957 (cited by Labcorp Genetics (formerly Invitae), Labcorp).